The following is an entry in ClinVar:

ClinVar aggregate classification (germline): Uncertain significance (1 of 4 stars; one submission).

Conditions:
Autosomal recessive spinocerebellar ataxia 16. Identifiers: Orphanet 412057, MedGen C5190574, MONDO:0014339, OMIM 615768.

Allele frequency attached by ClinVar (database versions not stated): gnomAD exomes below 0.00001.

Submission:

Neuberg Centre For Genomic Medicine, NCGM
Classification: Uncertain significance for Autosomal recessive spinocerebellar ataxia 16. Review status: criteria provided, single submitter. Criteria: ACMG Guidelines, 2015. Collection method: clinical testing. Allele origin: germline. Inheritance: Autosomal recessive inheritance. Affected: yes.
Comment: The missense variant in c.460C>T (p.Arg154Cys) in STUB1 gene has not been reported previously as a pathogenic variant nor as a benign variant, to our knowledge. This variant has not been reported to the ClinVar database. The p.Arg154Cys variant is novel (not in any individuals) in gnomAD Exomes and 1000 Genomes. The amino acid Arg at position 154 is changed to a Cys changing protein sequence and it might alter its composition and physico-chemical properties. For these reasons, this variant has been classified as Uncertain Significance (VUS).

NM_005861.4(STUB1):c.460C>T (p.Arg154Cys)

Gene: STUB1 (STIP1 homology and U-box containing protein 1; plus strand). Cytogenetic location: 16p13.3.
Variant type: single nucleotide variant.
Coding change: c.460C>T on transcript NM_005861.4 (MANE Select); coding-DNA position 460, C replaced by T.
Protein change: p.Arg154Cys; replaces arginine 154 with cysteine.
Molecular consequence: missense variant.
Genome position (GRCh38, 1-based): chr16:681,539, C>T. VCF-style: chr16-681539-C-T. GRCh37 (hg19) VCF-style: chr16-731539-C-T.
Other names: c.244C>T, p.Arg82Cys (NM_001293197.2); short protein forms R82C, R154C.
Identifiers: ClinVar variation 2585530 (VCV002585530.1), dbSNP rs11642472, ClinGen allele CA276565370.